The following is an entry in ClinVar:

ClinVar aggregate classification (germline): Likely benign. Review status: criteria provided, single submitter (1 of 4 stars). 2 submissions from 2 submitters: Likely benign (1). 1 of the submissions does not count toward it. Last evaluated 2023-06-06.

Conditions:
KARS1-related disorder. Also called: KARS1-related disorders.

Allele frequency attached by ClinVar (database versions not stated): gnomAD 0.00001; gnomAD exomes 0.00001; TOPMed 0.00001.
gnomAD v4.1: 20 of 1,613,390 alleles (0.0012%); highest among the groups gnomAD compares: African/African-American, 0.0027%; no homozygotes.

Submissions (2):

Labcorp Genetics (formerly Invitae), Labcorp
Classification: Likely benign. Last evaluated: 2023-06-06. Review status: criteria provided, single submitter. Criteria: Invitae Variant Classification Sherloc (09022015). Collection method: clinical testing. Allele origin: germline.

PreventionGenetics, part of Exact Sciences
Classification: Likely benign for KARS1-related condition. Last evaluated: 2020-07-15. Review status: no assertion criteria provided. Collection method: clinical testing. Allele origin: germline. Not counted in ClinVar's aggregate classification.
Comment: This variant is classified as likely benign based on ACMG/AMP sequence variant interpretation guidelines (Richards et al. 2015 PMID: 25741868, with internal and published modifications).

NM_005548.3(KARS1):c.210C>T (p.Ser70=)

Gene: KARS1 (lysyl-tRNA synthetase 1; minus strand). Cytogenetic location: 16q23.1.
Variant type: single nucleotide variant.
Coding change: c.210C>T on transcript NM_005548.3 (MANE Select); coding-DNA position 210, C replaced by T.
Protein change: p.Ser70=; no amino-acid change (serine 70 retained).
Molecular consequence: synonymous variant. On other transcripts: 5 prime UTR variant (1).
Genome position (GRCh38, 1-based): chr16:75,641,576, G>A on the plus strand (C>T on the coding strand, the complement: KARS1 is on the minus strand). VCF-style: chr16-75641576-G-A. GRCh37 (hg19) VCF-style: chr16-75675474-G-A.
Other names: c.294C>T, p.Ser98= (NM_001130089.2); c.-259C>T (NM_001378148.1).
Identifiers: ClinVar variation 2980585 (VCV002980585.5), dbSNP rs1478772094, ClinGen allele CA496586323.
Genomic context (GRCh38, chr16:75,641,576, plus strand): 5'-TCAGAAGCTTTCCTGTGCCCAACCATGCTGGTGGCCCAGGGAACTCACATTTGGGTCCAC[G>A]CTCTCTTCCTCAGGACCCACACCATTATCAGTGGTGTGGTTGGTGGCAGCAGCAGTGGCT-3'
Protein context (NP_005539.1, residues 60-80): TDNGVGPEEE[Ser70=]VDPNQYYKIR